The following is an entry in ClinVar:

NM_002941.4(ROBO1):c.4606G>A (p.Asp1536Asn)

Gene: ROBO1 (roundabout guidance receptor 1; minus strand). Cytogenetic location: 3p12.3.
Variant type: single nucleotide variant.
Coding change: c.4606G>A on transcript NM_002941.4 (MANE Select); coding-DNA position 4606, G replaced by A.
Protein change: p.Asp1536Asn; replaces aspartic acid 1536 with asparagine.
Molecular consequence: missense variant.
Genome position (GRCh38, 1-based): chr3:78,606,871, C>T on the plus strand (G>A on the coding strand, the complement: ROBO1 is on the minus strand). VCF-style: chr3-78606871-C-T. GRCh37 (hg19) VCF-style: chr3-78656021-C-T.
Other names: c.4471G>A, p.Asp1491Asn (NM_001145844.1, NM_133631.4); c.4306G>A, p.Asp1436Asn (NM_001145845.2); c.4606G>A (NM_002941.3); short protein forms D1491N, D1536N, D1436N.
Identifiers: ClinVar variation 2723646 (VCV002723646.4), dbSNP rs756036592, ClinGen allele CA2498017.
Genomic context (GRCh38, chr3:78,606,871, plus strand): 5'-GTTCCTGTGCTTCTCTGGGATCACCTGGATTTGTTCGCATGTCAACAACCTGTCTTCCAT[C>T]CAACACTTCTCTCCCCTTGTAACTGCTTCCTTTTCTGTCTGATGATCTGTCTGTTCTTGC-3'
Protein context (NP_002932.1, residues 1526-1546): GSSYKGREVL[Asp1536Asn]GRQVVDMRTN

ClinVar aggregate classification (germline): Uncertain significance. Review status: criteria provided, multiple submitters, no conflicts (2 of 4 stars). 2 submissions from 2 submitters: Uncertain significance (2). Last evaluated 2024-01-17.

Conditions:
Inborn genetic diseases. Identifiers: MedGen C0950123, MeSH D030342.

Allele frequency attached by ClinVar (database versions not stated): gnomAD 0.00003; ExAC 0.00005.
gnomAD v4.1: 59 of 1,613,780 alleles (0.0037%); highest among the groups gnomAD compares: Middle Eastern, 0.066%; no homozygotes.

Submissions (2):

Ambry Genetics
Classification: Uncertain significance for Inborn genetic diseases. Last evaluated: 2024-01-17. Review status: criteria provided, single submitter. Criteria: Ambry Variant Classification Scheme 2023. Collection method: clinical testing. Allele origin: germline.

Labcorp Genetics (formerly Invitae), Labcorp
Classification: Uncertain significance. Last evaluated: 2023-11-05. Review status: criteria provided, single submitter. Criteria: Invitae Variant Classification Sherloc (09022015). Collection method: clinical testing. Allele origin: germline.
Comment: This sequence change replaces aspartic acid, which is acidic and polar, with asparagine, which is neutral and polar, at codon 1536 of the ROBO1 protein (p.Asp1536Asn). This variant is present in population databases (rs756036592, gnomAD 0.008%). This variant has not been reported in the literature in individuals affected with ROBO1-related conditions. Advanced modeling of protein sequence and biophysical properties (such as structural, functional, and spatial information, amino acid conservation, physicochemical variation, residue mobility, and thermodynamic stability) performed at Invitae indicates that this missense variant is not expected to disrupt ROBO1 protein function with a negative predictive value of 95%. In summary, the available evidence is currently insufficient to determine the role of this variant in disease. Therefore, it has been classified as a Variant of Uncertain Significance.